The following is an entry in ClinVar:

ClinVar aggregate classification (germline): Uncertain significance (1 of 4 stars; one submission).

Conditions:
Snijders Blok-Campeau syndrome. Also called: INTELLECTUAL DEVELOPMENTAL DISORDER WITH MACROCEPHALY, SPEECH DELAY, AND DYSMORPHIC FACIES. Identifiers: Orphanet 599082, MedGen C4748701, MONDO:0032600, OMIM 618205.

Submission:

3billion
Classification: Uncertain significance for Snijders Blok-Campeau syndrome. Last evaluated: 2025-12-17. Review status: criteria provided, single submitter. Criteria: ACMG Guidelines, 2015. Collection method: clinical testing. Allele origin: germline. Affected: yes.
Comment: The variant is not observed in the gnomAD v4.1.0 dataset. Predicted Consequence/Location: Missense variant In silico tool predictions suggest damaging effect of the variant on gene or gene product [REVEL: 0.82 (>=0.6, sensitivity 0.68 and specificity 0.92)]. Different missense changes at the same codon have been reported as of uncertain significance (ClinVar ID: VCV003144110). Therefore, this variant is classified as VUS according to the recommendation of ACMG/AMP guideline.

NM_001005273.3(CHD3):c.2596A>G (p.Thr866Ala)

Gene: CHD3 (chromodomain helicase DNA binding protein 3; plus strand). Cytogenetic location: 17p13.1.
Variant type: single nucleotide variant.
Coding change: c.2596A>G on transcript NM_001005273.3 (MANE Select); coding-DNA position 2596, A replaced by G.
Protein change: p.Thr866Ala; replaces threonine 866 with alanine.
Molecular consequence: missense variant.
Genome position (GRCh38, 1-based): chr17:7,899,947, A>G. VCF-style: chr17-7899947-A-G. GRCh37 (hg19) VCF-style: chr17-7803265-A-G.
Other names: c.2773A>G, p.Thr925Ala (NM_001005271.3, NM_001437504.1); c.2761A>G, p.Thr921Ala (NM_001437507.1, NM_001437508.1, NM_001437509.1); c.2596A>G, p.Thr866Ala (NM_005852.4); short protein forms T866A, T921A, T925A.
Identifiers: ClinVar variation 4856289 (VCV004856289.1).